The following is an entry in ClinVar:

ClinVar aggregate classification (germline): Uncertain significance (1 of 4 stars; one submission).

Submission:

Labcorp Genetics (formerly Invitae), Labcorp
Classification: Uncertain significance. Last evaluated: 2022-05-03. Review status: criteria provided, single submitter. Criteria: Invitae Variant Classification Sherloc (09022015). Collection method: clinical testing. Allele origin: germline.
Comment: This sequence change replaces histidine, which is basic and polar, with tyrosine, which is neutral and polar, at codon 3089 of the SZT2 protein (p.His3089Tyr). This variant is not present in population databases (gnomAD no frequency). This variant has not been reported in the literature in individuals affected with SZT2-related conditions. Algorithms developed to predict the effect of missense changes on protein structure and function (SIFT, PolyPhen-2, Align-GVGD) all suggest that this variant is likely to be tolerated. In summary, the available evidence is currently insufficient to determine the role of this variant in disease. Therefore, it has been classified as a Variant of Uncertain Significance.

NM_001365999.1(SZT2):c.9436C>T (p.His3146Tyr)

Gene: SZT2 (SZT2 subunit of KICSTOR complex; plus strand). Cytogenetic location: 1p34.2.
Variant type: single nucleotide variant.
Coding change: c.9436C>T on transcript NM_001365999.1 (MANE Select); coding-DNA position 9436, C replaced by T.
Protein change: p.His3146Tyr; replaces histidine 3146 with tyrosine.
Molecular consequence: missense variant.
Genome position (GRCh38, 1-based): chr1:43,447,694, C>T. VCF-style: chr1-43447694-C-T. GRCh37 (hg19) VCF-style: chr1-43913365-C-T.
Other names: c.9265C>T, p.His3089Tyr (NM_015284.4); c.877C>T, p.His293Tyr (NM_024547.1); short protein forms H3089Y, H293Y, H3146Y.
Identifiers: ClinVar variation 2132738 (VCV002132738.1), dbSNP rs1384112170, ClinGen allele CA340043171.
Genomic context (GRCh38, chr1:43,447,694, plus strand): 5'-TTGCGAATGGCCCGGCCAGGGGGCCCAGAACACAACGAGTATGCCCTGGTGTCGGCATGG[C>T]ACAGGTAAGGCTGAGAGGGGCATCCAGCATGCACGCTGCAGGAGCTGGGGTTGGGACATA-3'
Protein context (NP_001352928.1, residues 3136-3156): HNEYALVSAW[His3146Tyr]SSGSYLDSEG